The following is an entry in ClinVar:

NM_001271.4(CHD2):c.692+161G>A

Gene: CHD2 (chromodomain helicase DNA binding protein 2; plus strand). Cytogenetic location: 15q26.1.
Variant type: single nucleotide variant.
Coding change: c.692+161G>A on transcript NM_001271.4 (MANE Select); 161 bases into the intron after coding-DNA position 692, G replaced by A.
Molecular consequence: intron variant.
Genome position (GRCh38, 1-based): chr15:92,939,879, G>A. VCF-style: chr15-92939879-G-A. GRCh37 (hg19) VCF-style: chr15-93483109-G-A.
Other names: c.692+161G>A (NM_001042572.3).
Identifiers: ClinVar variation 676982 (VCV000676982.1), dbSNP rs145374222, ClinGen allele CA14185762.

ClinVar aggregate classification (germline): Likely benign (1 of 4 stars; one submission).

Allele frequency attached by ClinVar (database versions not stated): gnomAD 0.01487 and 0.01516; 1000 Genomes Project 0.02017; TOPMed 0.02231; 1000 Genomes Project 30x 0.02249.
gnomAD v4.1: 2,264 of 152,280 alleles (1.5%); highest among the groups gnomAD compares: Admixed American, 7%; 66 homozygotes.

Submission:

GeneDx
Classification: Likely benign. Last evaluated: 2018-06-19. Review status: criteria provided, single submitter. Criteria: GeneDx Variant Classification (06012015). Collection method: clinical testing. Allele origin: germline. Affected: yes.
Comment: This variant is considered likely benign or benign based on one or more of the following criteria: it is a conservative change, it occurs at a poorly conserved position in the protein, it is predicted to be benign by multiple in silico algorithms, and/or has population frequency not consistent with disease.